The following is an entry in ClinVar:

NM_000152.5(GAA):c.1314C>A (p.Tyr438Ter)

Gene: GAA (alpha glucosidase; plus strand). Cytogenetic location: 17q25.3.
Variant type: single nucleotide variant.
Coding change: c.1314C>A on transcript NM_000152.5 (MANE Select); coding-DNA position 1314, C replaced by A.
Protein change: p.Tyr438Ter; replaces tyrosine 438 with a stop codon.
Molecular consequence: nonsense.
Genome position (GRCh38, 1-based): chr17:80,108,816, C>A. VCF-style: chr17-80108816-C-A. GRCh37 (hg19) VCF-style: chr17-78082615-C-A.
Other names: c.1314C>A, p.Tyr438Ter (NM_001079803.3, NM_001079804.3, NM_001406741.1 and 1 more transcripts); short protein forms Y438*.
Identifiers: ClinVar variation 2071694 (VCV002071694.6), dbSNP rs1333715186, ClinGen allele CA401365408.

ClinVar aggregate classification (germline): Pathogenic. Review status: criteria provided, multiple submitters, no conflicts (2 of 4 stars). 3 submissions from 3 submitters: Pathogenic (3). Last evaluated 2026-07-01.

Conditions:
Glycogen storage disease, type II (IOPD). Also called: CARDIOMEGALIA GLYCOGENICA DIFFUSA; GLYCOGENOSIS, GENERALIZED, CARDIAC FORM; GSD II; Glycogen storage disease type 2; Acid maltase deficiency disease; Aglucosidase alfa. Identifiers: Orphanet 365, MedGen C0017921, MONDO:0009290, OMIM 232300.

Submissions (3):

Genomenon, Inc
Classification: Pathogenic for Glycogen storage disease, type II. Last evaluated: 2026-07-01. Review status: criteria provided, single submitter. Criteria: Genomenon Sequence Variant Interpretation Standards - Updated. Collection method: curation. Allele origin: germline. Affected: yes.
Comment: GAA p.Tyr438Ter (c.1314C>A) is a nonsense variant that introduces a premature stop codon at amino acid position 438 and is predicted to result in a truncated or absent protein product. This variant has been observed in at least one proband with a GAA-related disorder (PMID:36579437). It is absent or not present at a significant frequency in gnomAD. In conclusion, we classify GAA p.Tyr438Ter (c.1314C>A) as a pathogenic variant.

3billion
Classification: Pathogenic for Glycogen storage disease, type II. Last evaluated: 2025-12-16. Review status: criteria provided, single submitter. Criteria: ACMG Guidelines, 2015. Collection method: clinical testing. Allele origin: germline. Affected: yes.
Comment: The variant is not observed in the gnomAD v4.1.0 dataset. Predicted Consequence/Location: Stop-gained (nonsense): predicted to result in a loss or disruption of normal protein function through nonsense-mediated decay (NMD) or protein truncation. Multiple pathogenic variants are reported downstream of the variant. The variant has been reported to be associated with GAA-related disorder (ClinVar ID: VCV002071694 /PMID: 36579437). Therefore, this variant is classified as Pathogenic according to the recommendation of ACMG/AMP guideline.

Labcorp Genetics (formerly Invitae), Labcorp
Classification: Pathogenic for Glycogen storage disease, type II. Last evaluated: 2023-10-09. Review status: criteria provided, single submitter. Criteria: Invitae Variant Classification Sherloc (09022015). Collection method: clinical testing. Allele origin: germline.
Comment: This sequence change creates a premature translational stop signal (p.Tyr438*) in the GAA gene. It is expected to result in an absent or disrupted protein product. Loss-of-function variants in GAA are known to be pathogenic (PMID: 18425781, 22252923). This variant is not present in population databases (gnomAD no frequency). This variant has not been reported in the literature in individuals affected with GAA-related conditions. ClinVar contains an entry for this variant (Variation ID: 2071694). For these reasons, this variant has been classified as Pathogenic.

Literature cited by the submitters: PubMed 36579437 (cited by Genomenon, Inc and 3billion); PubMed 18425781 (cited by Labcorp Genetics (formerly Invitae), Labcorp); PubMed 22252923 (cited by Labcorp Genetics (formerly Invitae), Labcorp).